The following is an entry in ClinVar:

ClinVar aggregate classification (germline): Uncertain significance. Review status: criteria provided, multiple submitters, no conflicts (2 of 4 stars). 2 submissions from 2 submitters: Uncertain significance (2). Last evaluated 2025-01-23.

Allele frequency attached by ClinVar (database versions not stated): gnomAD exomes below 0.00001; TOPMed below 0.00001; gnomAD 0.00001.
gnomAD v4.1: 2 of 1,613,484 alleles (0.00012%); highest among the groups gnomAD compares: African/African-American, 0.0013%; no homozygotes.

Submissions (2):

Ambry Genetics
Classification: Uncertain significance. Last evaluated: 2025-01-23. Review status: criteria provided, single submitter. Criteria: Ambry Variant Classification Scheme 2023. Collection method: clinical testing. Allele origin: germline.

Labcorp Genetics (formerly Invitae), Labcorp
Classification: Uncertain significance. Last evaluated: 2023-02-04. Review status: criteria provided, single submitter. Criteria: Invitae Variant Classification Sherloc (09022015). Collection method: clinical testing. Allele origin: germline.
Comment: In summary, the available evidence is currently insufficient to determine the role of this variant in disease. Therefore, it has been classified as a Variant of Uncertain Significance. Algorithms developed to predict the effect of missense changes on protein structure and function (SIFT, PolyPhen-2, Align-GVGD) all suggest that this variant is likely to be tolerated. This variant has not been reported in the literature in individuals affected with TOP2B-related conditions. This variant is not present in population databases (gnomAD no frequency). This sequence change replaces asparagine, which is neutral and polar, with lysine, which is basic and polar, at codon 1554 of the TOP2B protein (p.Asn1554Lys).

NM_001330700.2(TOP2B):c.4677C>G (p.Asn1559Lys)

Gene: TOP2B (DNA topoisomerase II beta; minus strand). Cytogenetic location: 3p24.2.
Variant type: single nucleotide variant.
Coding change: c.4677C>G on transcript NM_001330700.2 (MANE Select); coding-DNA position 4677, C replaced by G.
Protein change: p.Asn1559Lys; replaces asparagine 1559 with lysine.
Molecular consequence: missense variant.
Genome position (GRCh38, 1-based): chr3:25,599,468, G>C on the plus strand (C>G on the coding strand, the complement: TOP2B is on the minus strand). VCF-style: chr3-25599468-G-C. GRCh37 (hg19) VCF-style: chr3-25640959-G-C.
Other names: c.4662C>G, p.Asn1554Lys (NM_001068.3); c.4662C>G (NM_001068.2); short protein forms N1554K, N1559K.
Identifiers: ClinVar variation 2986375 (VCV002986375.4), dbSNP rs1702030238, ClinGen allele CA351890294.